The following is an entry in ClinVar:

NM_014845.6(FIG4):c.2260G>A (p.Val754Met)

Gene: FIG4 (FIG4 phosphoinositide 5-phosphatase; plus strand). Cytogenetic location: 6q21.
Variant type: single nucleotide variant.
Coding change: c.2260G>A on transcript NM_014845.6 (MANE Select); coding-DNA position 2260, G replaced by A.
Protein change: p.Val754Met; replaces valine 754 with methionine.
Molecular consequence: missense variant.
Genome position (GRCh38, 1-based): chr6:109,791,455, G>A. VCF-style: chr6-109791455-G-A. GRCh37 (hg19) VCF-style: chr6-110112658-G-A.
Other names: short protein forms V754M.
Identifiers: ClinVar variation 1016342 (VCV001016342.8), dbSNP rs200691981, ClinGen allele CA365216271.

ClinVar aggregate classification (germline): Uncertain significance (1 of 4 stars; one submission).

Conditions:
Charcot-Marie-Tooth disease type 4. Also called: Charcot-Marie-Tooth disease, type IV; Charcot-Marie-Tooth, Type 4. Identifiers: Orphanet 64749, MedGen C4082197, MONDO:0018995.

Submission:

Labcorp Genetics (formerly Invitae), Labcorp
Classification: Uncertain significance for Charcot-Marie-Tooth disease type 4. Last evaluated: 2020-02-29. Review status: criteria provided, single submitter. Criteria: Invitae Variant Classification Sherloc (09022015). Collection method: clinical testing. Allele origin: germline.
Comment: Algorithms developed to predict the effect of missense changes on protein structure and function output the following: SIFT: "Tolerated"; PolyPhen-2: "Benign"; Align-GVGD: "Class C0". The methionine amino acid residue is found in multiple mammalian species, suggesting that this missense change does not adversely affect protein function. These predictions have not been confirmed by published functional studies and their clinical significance is uncertain. In summary, the available evidence is currently insufficient to determine the role of this variant in disease. Therefore, it has been classified as a Variant of Uncertain Significance. This variant has not been reported in the literature in individuals with FIG4-related conditions. This sequence change replaces valine with methionine at codon 754 of the FIG4 protein (p.Val754Met). The valine residue is moderately conserved and there is a small physicochemical difference between valine and methionine. This variant is not present in population databases (ExAC no frequency).